The following is an entry in ClinVar:

NM_000368.5(TSC1):c.955T>G (p.Leu319Val)

Gene: TSC1 (TSC complex subunit 1; minus strand). Cytogenetic location: 9q34.13.
Variant type: single nucleotide variant.
Coding change: c.955T>G on transcript NM_000368.5 (MANE Select); coding-DNA position 955, T replaced by G.
Protein change: p.Leu319Val; replaces leucine 319 with valine.
Molecular consequence: missense variant.
Genome position (GRCh38, 1-based): chr9:132,911,527, A>C on the plus strand (T>G on the coding strand, the complement: TSC1 is on the minus strand). VCF-style: chr9-132911527-A-C. GRCh37 (hg19) VCF-style: chr9-135786914-A-C.
Other names: c.955T>G, p.Leu319Val (NM_001162426.2); c.802T>G, p.Leu268Val (NM_001162427.2); c.592T>G, p.Leu198Val (NM_001362177.2); short protein forms L198V, L268V, L319V.
Identifiers: ClinVar variation 1025640 (VCV001025640.8), dbSNP rs1845961614, ClinGen allele CA375368685.
Genomic context (GRCh38, chr9:132,911,527, plus strand): 5'-TTATCAGCCGTGTCGATGGGGAACTCAGAGTCTGAGGTAGCTGCCCTGGCATATTTAACA[A>C]CATCAGCCGAGACGTGGAGTAAGGGGTAGAAGTAGCACACCCTAAAATGGAAGAGAAGAA-3'
Protein context (NP_000359.1, residues 309-329): STPYSTSRLM[Leu319Val]LNMPGQLPQT

ClinVar aggregate classification (germline): Uncertain significance (1 of 4 stars; one submission).

Conditions:
Tuberous sclerosis 1 (TSC1). Identifiers: Orphanet 805, MedGen C1854465, MONDO:0008612, OMIM 191100.

Submission:

Labcorp Genetics (formerly Invitae), Labcorp
Classification: Uncertain significance for Tuberous sclerosis 1. Last evaluated: 2020-06-29. Review status: criteria provided, single submitter. Criteria: Invitae Variant Classification Sherloc (09022015). Collection method: clinical testing. Allele origin: germline.
Comment: In summary, the available evidence is currently insufficient to determine the role of this variant in disease. Therefore, it has been classified as a Variant of Uncertain Significance. Algorithms developed to predict the effect of missense changes on protein structure and function are either unavailable or do not agree on the potential impact of this missense change (SIFT: "Tolerated"; PolyPhen-2: "Possibly Damaging"; Align-GVGD: "Class C0"). This variant has not been reported in the literature in individuals with TSC1-related disease. This variant is not present in population databases (ExAC no frequency). This sequence change replaces leucine with valine at codon 319 of the TSC1 protein (p.Leu319Val). The leucine residue is moderately conserved and there is a small physicochemical difference between leucine and valine.